The following is an entry in ClinVar:

ClinVar aggregate classification (germline): Uncertain significance (1 of 4 stars; one submission).

Submission:

GeneDx
Classification: Uncertain significance. Last evaluated: 2019-03-28. Review status: criteria provided, single submitter. Criteria: GeneDx Variant Classification Process June 2021. Collection method: clinical testing. Allele origin: germline. Affected: yes.
Comment: Not observed in large population cohorts (Lek et al., 2016); In silico analysis, which includes protein predictors and evolutionary conservation, supports a deleterious effect; Has not been previously published as pathogenic or benign to our knowledge

NM_001273.5(CHD4):c.1759G>A (p.Asp587Asn)

Gene: CHD4 (chromodomain helicase DNA binding protein 4; minus strand). Cytogenetic location: 12p13.31.
Variant type: single nucleotide variant.
Coding change: c.1759G>A on transcript NM_001273.5 (MANE Select); coding-DNA position 1759, G replaced by A.
Protein change: p.Asp587Asn; replaces aspartic acid 587 with asparagine.
Molecular consequence: missense variant.
Genome position (GRCh38, 1-based): chr12:6,598,027, C>T on the plus strand (G>A on the coding strand, the complement: CHD4 is on the minus strand). VCF-style: chr12-6598027-C-T. GRCh37 (hg19) VCF-style: chr12-6707193-C-T.
Other names: c.1738G>A, p.Asp580Asn (NM_001297553.2); c.1720G>A, p.Asp574Asn (NM_001363606.2); short protein forms D574N, D580N, D587N.
Identifiers: ClinVar variation 1308255 (VCV001308255.2), dbSNP rs2136220875, ClinGen allele CA383598041.
Genomic context (GRCh38, chr12:6,598,027, plus strand): 5'-CTGCAAATTTAGGGTCCTTGTTCTTTCGCTTTCGGCTTTTCTCTTCATCACCACCAAAGT[C>T]CCCAGAAGGTGGCTCATCCATATCATTCTTCCGCTGATAGTTTCGGAACATCACCTGACA-3'
Protein context (NP_001264.2, residues 577-597): KNDMDEPPSG[Asp587Asn]FGGDEEKSRK